The following is an entry in ClinVar:

ClinVar aggregate classification (germline): Benign (1 of 4 stars; one submission).

Allele frequency attached by ClinVar (database versions not stated): 1000 Genomes Project 0.28874; 1000 Genomes Project 30x 0.29232; gnomAD 0.37035 and 0.37787.

Submission:

GeneDx
Classification: Benign. Last evaluated: 2018-06-19. Review status: criteria provided, single submitter. Criteria: GeneDx Variant Classification (06012015). Collection method: clinical testing. Allele origin: germline. Affected: yes.
Comment: This variant is considered likely benign or benign based on one or more of the following criteria: it is a conservative change, it occurs at a poorly conserved position in the protein, it is predicted to be benign by multiple in silico algorithms, and/or has population frequency not consistent with disease.

NM_001035.3(RYR2):c.11403-140_11403-124dup

Gene: RYR2 (ryanodine receptor 2; plus strand). Cytogenetic location: 1q43.
Variant type: Duplication.
Coding change: c.11403-140_11403-124dup on transcript NM_001035.3 (MANE Select); 140 bases into the intron before coding-DNA position 11403 through 124 bases into the intron before coding-DNA position 11403, 17 bases duplicated (AATGAATGGAGACATGT).
Molecular consequence: intron variant.
Genome position (GRCh38, 1-based): chr1:237,760,815-237,760,831, AATGAATGGAGACATGT duplicated. VCF-style (leftmost placement, unchanged base first): chr1-237760814-C-CAATGAATGGAGACATGT. GRCh37 (hg19) VCF-style: chr1-237924114-C-CAATGAATGGAGACATGT.
Identifiers: ClinVar variation 675308 (VCV000675308.1), dbSNP rs6143694, ClinGen allele CA39832552.